The following is an entry in ClinVar:

NM_000322.5(PRPH2):c.654_655del (p.Pro219fs)

Gene: PRPH2 (peripherin 2; minus strand). Cytogenetic location: 6p21.1.
Variant type: Deletion.
Coding change: c.654_655del on transcript NM_000322.5 (MANE Select); coding-DNA positions 654 to 655, 2 bases deleted (GC; older notation c.654_655delGC).
Protein change: p.Pro219fs; shifts the reading frame from proline 219.
Molecular consequence: frameshift variant.
Genome position (GRCh38, 1-based): chr6:42,704,538-42,704,539, GC deleted on the plus strand (GC on the coding strand, the reverse complement: PRPH2 is on the minus strand); deleting any 2 consecutive bases within chr6:42,704,538-42,704,540 gives the same sequence; the c. name uses the placement nearest the transcript's 3' end. VCF-style (leftmost placement, unchanged base first): chr6-42704537-GGC-G. GRCh37 (hg19) VCF-style: chr6-42672275-GGC-G.
Other names: short protein forms P219fs.
Identifiers: ClinVar variation 1175223 (VCV001175223.9), dbSNP rs2152005328, ClinGen allele CA2499218275.

ClinVar aggregate classification (germline): Pathogenic. Review status: criteria provided, single submitter (1 of 4 stars). 2 submissions from 2 submitters: Pathogenic (1). 1 of the submissions does not count toward it. Last evaluated 2025-04-28.

Conditions:
PRPH2-related disorder. Also called: PRPH2-related disorders; PRPH2-related condition. Identifiers: MedGen CN239395.

Submissions (2):

Labcorp Genetics (formerly Invitae), Labcorp
Classification: Pathogenic for PRPH2-related disorder. Last evaluated: 2025-04-28. Review status: criteria provided, single submitter. Criteria: Invitae Variant Classification Sherloc (09022015). Collection method: clinical testing. Allele origin: germline.
Comment: This sequence change creates a premature translational stop signal (p.Pro219Thrfs*81) in the PRPH2 gene. While this is not anticipated to result in nonsense mediated decay, it is expected to disrupt the last 128 amino acid(s) of the PRPH2 protein. This variant is not present in population databases (gnomAD no frequency). This premature translational stop signal has been observed in individual(s) with retinal disease (PMID: 29555955). ClinVar contains an entry for this variant (Variation ID: 1175223). This variant disrupts a region of the PRPH2 protein in which other variant(s) (p.Leu307Argfs*17) have been determined to be pathogenic (PMID: 8019570, 22183351, 24265693). This suggests that this is a clinically significant region of the protein, and that variants that disrupt it are likely to be disease-causing. For these reasons, this variant has been classified as Pathogenic.

Leiden Open Variation Database
Classification: Pathogenic. Last evaluated: 2021-02-14. Review status: no assertion criteria provided. Collection method: curation. Allele origin: germline. Affected: yes. Not counted in ClinVar's aggregate classification.
Comment: Curator: Global Variome, with Curator vacancy. Submitter to LOVD: LOVD.

Literature cited by the submitters: PubMed 29555955 (cited by Labcorp Genetics (formerly Invitae), Labcorp and Leiden Open Variation Database); PubMed 8019570 (cited by Labcorp Genetics (formerly Invitae), Labcorp); PubMed 22183351 (cited by Labcorp Genetics (formerly Invitae), Labcorp); PubMed 24265693 (cited by Labcorp Genetics (formerly Invitae), Labcorp).